The following is an entry in ClinVar:

NM_006231.4(POLE):c.804C>G (p.Asp268Glu)

Gene: POLE (DNA polymerase epsilon, catalytic subunit; minus strand). Cytogenetic location: 12q24.33.
Variant type: single nucleotide variant.
Coding change: c.804C>G on transcript NM_006231.4 (MANE Select); coding-DNA position 804, C replaced by G.
Protein change: p.Asp268Glu; replaces aspartic acid 268 with glutamic acid.
Molecular consequence: missense variant.
Genome position (GRCh38, 1-based): chr12:132,676,651, G>C on the plus strand (C>G on the coding strand, the complement: POLE is on the minus strand). VCF-style: chr12-132676651-G-C. GRCh37 (hg19) VCF-style: chr12-133253237-G-C.
Other names: short protein forms D268E.
Identifiers: ClinVar variation 1948933 (VCV001948933.5), dbSNP rs1593079711, ClinGen allele CA387364382.
Genomic context (GRCh38, chr12:132,676,651, plus strand): 5'-AGCATCAGGAAACTTGAGGGGCAGTTTGGTCGTCTCAATGTCAAATGCCAAAACCACAGG[G>C]TCCTGTGGGGACAAAATAAGCATAAAGCCAAGCTCTAAACTCCCCATTAGGCCTCCCTGA-3'
Protein context (NP_006222.2, residues 258-278): TRRDDLVERP[Asp268Glu]PVVLAFDIET

ClinVar aggregate classification (germline): Uncertain significance (1 of 4 stars; one submission).

Allele frequency attached by ClinVar (database versions not stated): gnomAD exomes below 0.00001.
gnomAD v4.1: 1 of 1,600,452 alleles (0.000062%); highest among the groups gnomAD compares: Non-Finnish European, 0.000086%; no homozygotes.

Submission:

Labcorp Genetics (formerly Invitae), Labcorp
Classification: Uncertain significance. Last evaluated: 2022-02-22. Review status: criteria provided, single submitter. Criteria: Invitae Variant Classification Sherloc (09022015). Collection method: clinical testing. Allele origin: germline.
Comment: This variant is not present in population databases (gnomAD no frequency). In summary, the available evidence is currently insufficient to determine the role of this variant in disease. Therefore, it has been classified as a Variant of Uncertain Significance. Algorithms developed to predict the effect of missense changes on protein structure and function are either unavailable or do not agree on the potential impact of this missense change (SIFT: "Tolerated"; PolyPhen-2: "Possibly Damaging"; Align-GVGD: "Class C0"). This variant has not been reported in the literature in individuals affected with POLE-related conditions. This sequence change replaces aspartic acid, which is acidic and polar, with glutamic acid, which is acidic and polar, at codon 268 of the POLE protein (p.Asp268Glu).